The following is an entry in ClinVar:

NM_005481.3(MED16):c.233C>T (p.Ser78Leu)

Gene: MED16 (mediator complex subunit 16; minus strand). Cytogenetic location: 19p13.3.
Variant type: single nucleotide variant.
Coding change: c.233C>T on transcript NM_005481.3 (MANE Select); coding-DNA position 233, C replaced by T.
Protein change: p.Ser78Leu; replaces serine 78 with leucine.
Molecular consequence: missense variant.
Genome position (GRCh38, 1-based): chr19:890,181, G>A on the plus strand (C>T on the coding strand, the complement: MED16 is on the minus strand). VCF-style: chr19-890181-G-A. GRCh37 (hg19) VCF-style: chr19-890181-G-A.
Other names: short protein forms S78L.
Identifiers: ClinVar variation 4084587 (VCV004084587.8).

ClinVar aggregate classification (germline): Uncertain significance (1 of 4 stars; one submission).

gnomAD v4.1: 3 of 1,554,024 alleles (0.00019%); highest among the groups gnomAD compares: Non-Finnish European, 0.00026%; no homozygotes.

Submission:

CeGaT Center for Human Genetics Tuebingen
Classification: Uncertain significance. Last evaluated: 2025-07-01. Review status: criteria provided, single submitter. Criteria: CeGaT Center For Human Genetics Tuebingen Variant Classification Criteria Version 2. Collection method: clinical testing. Allele origin: germline. Affected: yes. Observed: 1 variant allele.
Comment: MED16: PM2, PS2:Supporting